The following is an entry in ClinVar:

NM_000642.3(AGL):c.1735+5dup

Gene: AGL (amylo-alpha-1,6-glucosidase and 4-alpha-glucanotransferase; plus strand). Cytogenetic location: 1p21.2.
Variant type: Duplication.
Coding change: c.1735+5dup on transcript NM_000642.3 (MANE Select); 5 bases into the intron after coding-DNA position 1735, one base duplicated (G; older notation c.1735+5dupG).
Molecular consequence: intron variant.
Genome position (GRCh38, 1-based): chr1:99,880,051, G duplicated; the last of 2 consecutive G bases (chr1:99,880,050-99,880,051); duplicating either gives the same sequence. VCF-style (leftmost placement, unchanged base first): chr1-99880049-A-AG. GRCh37 (hg19) VCF-style: chr1-100345605-A-AG.
Other names: c.1735+5dup (NM_000643.3, NM_000644.3, NM_001425326.1 and 2 more transcripts); c.1687+5dup (NM_000646.3); c.1534+5dup (NM_001425327.1); c.1531+5dup (NM_001425328.1, NM_001425329.1); c.1357+5dup (NM_001425332.1).
Identifiers: ClinVar variation 285383 (VCV000285383.12), dbSNP rs766616589, ClinGen allele CA966569.
Genomic context (GRCh38, chr1:99,880,049, plus strand): 5'-AGTGAAGATCTGGACAATGTCTTTGTTACTAGACTGGGCATTAGTTCCTTAATAAGAGGT[A>AG]GGCTTGTTGGAGTGTATTTCCCTCTAAAACTTTAGCTTTTGTTTAAGTAGATTAAAGGAT-3'

ClinVar aggregate classification (germline): Uncertain significance. Review status: criteria provided, multiple submitters, no conflicts (2 of 4 stars). 4 submissions from 4 submitters: Uncertain significance (3). 1 of the submissions does not count toward it. Last evaluated 2021-07-15.

Conditions:
Glycogen storage disease type III (GSD3). Also called: Cori disease; FORBES DISEASE. Identifiers: Orphanet 366, MedGen C0017922, MONDO:0009291, OMIM 232400.

Submissions (4):

Genome-Nilou Lab
Classification: Uncertain significance for Glycogen storage disease type III. Last evaluated: 2021-07-15. Review status: criteria provided, single submitter. Criteria: ACMG Guidelines, 2015. Collection method: clinical testing. Allele origin: germline. Affected: no.

Labcorp Genetics (formerly Invitae), Labcorp
Classification: Uncertain significance for Glycogen storage disease type III. Last evaluated: 2019-02-07. Review status: criteria provided, single submitter. Criteria: Invitae Variant Classification Sherloc (09022015). Collection method: clinical testing. Allele origin: germline.
Comment: This sequence change falls in intron 13 of the AGL gene. It does not directly change the encoded amino acid sequence of the AGL protein, but it affects a nucleotide within the consensus splice site of the intron. The frequency data for this variant in the population databases is considered unreliable, as metrics indicate poor data quality at this position in the ExAC database. This variant has not been reported in the literature in individuals with AGL-related conditions. ClinVar contains an entry for this variant (Variation ID: 285383). Nucleotide substitutions within the consensus splice site are a relatively common cause of aberrant splicing (PMID: 17576681, 9536098). Algorithms developed to predict the effect of sequence changes on RNA splicing suggest that this variant is not likely to affect RNA splicing, but this prediction has not been confirmed by published transcriptional studies. In summary, the available evidence is currently insufficient to determine the role of this variant in disease. Therefore, it has been classified as a Variant of Uncertain Significance.

Eurofins Ntd Llc (ga)
Classification: Uncertain significance. Last evaluated: 2015-12-22. Review status: criteria provided, single submitter. Criteria: EGL Classification Definitions. Collection method: clinical testing. Allele origin: germline.

Natera, Inc.
Classification: Uncertain significance for Glycogen storage disease type III. Last evaluated: 2019-10-28. Review status: no assertion criteria provided. Collection method: clinical testing. Allele origin: germline. Not counted in ClinVar's aggregate classification.

Literature cited by the submitters: PubMed 17576681 (cited by Labcorp Genetics (formerly Invitae), Labcorp); PubMed 9536098 (cited by Labcorp Genetics (formerly Invitae), Labcorp).